The following is an entry in ClinVar:

NM_015474.4(SAMHD1):c.1334dup (p.Leu445fs)

Gene: SAMHD1 (SAM and HD domain containing deoxynucleoside triphosphate triphosphohydrolase 1; minus strand). Cytogenetic location: 20q11.23.
Variant type: Duplication.
Coding change: c.1334dup on transcript NM_015474.4 (MANE Select); coding-DNA position 1334, one base duplicated (T; older notation c.1334dupT).
Protein change: p.Leu445fs; shifts the reading frame from leucine 445.
Molecular consequence: frameshift variant.
Genome position (GRCh38, 1-based): chr20:36,905,440, A duplicated on the plus strand (T on the coding strand, the reverse complement: SAMHD1 is on the minus strand); the first of 4 consecutive A bases (chr20:36,905,440-36,905,443); duplicating any one gives the same sequence. VCF-style (leftmost placement, unchanged base first): chr20-36905439-T-TA. GRCh37 (hg19) VCF-style: chr20-35533842-T-TA.
Other names: c.1334dup, p.Leu445fs (NM_001363729.2, NM_001363733.2); short protein forms L445fs.
Identifiers: ClinVar variation 1071265 (VCV001071265.7), dbSNP rs2148360598, ClinGen allele CA2499225747.
Genomic context (GRCh38, chr20:36,905,439, plus strand): 5'-TTGTCCTGTTGGCTGCGTCTCACCCACATACTTGAATAGATTACGGTATTCAATTTGTTT[T>TA]AAAATCTCTCGTGCGTCTTTCAATTTGGGATCAGTAGAGTATAAAATCTCCAGAAAAATG-3'

ClinVar aggregate classification (germline): Pathogenic (1 of 4 stars; one submission).

Conditions:
Aicardi-Goutieres syndrome 5. Identifiers: Orphanet 51, MedGen C2749659, MONDO:0013059, OMIM 612952.

Submission:

Labcorp Genetics (formerly Invitae), Labcorp
Classification: Pathogenic for Aicardi-Goutieres syndrome 5. Last evaluated: 2022-02-04. Review status: criteria provided, single submitter. Criteria: Invitae Variant Classification Sherloc (09022015). Collection method: clinical testing. Allele origin: germline.
Comment: This variant is not present in population databases (gnomAD no frequency). For these reasons, this variant has been classified as Pathogenic. ClinVar contains an entry for this variant (Variation ID: 1071265). This variant has not been reported in the literature in individuals affected with SAMHD1-related conditions. This sequence change creates a premature translational stop signal (p.Leu445Phefs*5) in the SAMHD1 gene. It is expected to result in an absent or disrupted protein product. Loss-of-function variants in SAMHD1 are known to be pathogenic (PMID: 19525956, 22461318).

Literature cited by the submitters: PubMed 19525956; PubMed 22461318.